The following is an entry in ClinVar:

ClinVar aggregate classification (germline): Uncertain significance. Review status: criteria provided, multiple submitters, no conflicts (2 of 4 stars). 3 submissions from 3 submitters: Uncertain significance (3). Last evaluated 2025-12-10.

Conditions:
Inborn genetic diseases. Identifiers: MedGen C0950123, MeSH D030342.
Congenital disorder of deglycosylation (CDDG). Identifiers: MedGen C3808991, MONDO:0031376.

gnomAD v4.1: 54 of 1,611,668 alleles (0.0034%); highest among the groups gnomAD compares: Admixed American, 0.005%; no homozygotes.

Submissions (3):

Greenwood Genetic Center Diagnostic Laboratories, Greenwood Genetic Center
Classification: Uncertain significance. Last evaluated: 2025-12-10. Review status: criteria provided, single submitter. Criteria: ACMG Guidelines, 2015. Collection method: clinical testing. Allele origin: germline. Affected: yes.
Comment: PM2, BP4

Labcorp Genetics (formerly Invitae), Labcorp
Classification: Uncertain significance for Congenital disorder of deglycosylation. Last evaluated: 2023-12-06. Review status: criteria provided, single submitter. Criteria: Invitae Variant Classification Sherloc (09022015). Collection method: clinical testing. Allele origin: germline.
Comment: This sequence change replaces histidine, which is basic and polar, with leucine, which is neutral and non-polar, at codon 181 of the NGLY1 protein (p.His181Leu). This variant is present in population databases (rs369784943, gnomAD 0.004%). This variant has not been reported in the literature in individuals affected with NGLY1-related conditions. ClinVar contains an entry for this variant (Variation ID: 1403046). Advanced modeling of protein sequence and biophysical properties (such as structural, functional, and spatial information, amino acid conservation, physicochemical variation, residue mobility, and thermodynamic stability) performed at Invitae indicates that this missense variant is not expected to disrupt NGLY1 protein function with a negative predictive value of 80%. In summary, the available evidence is currently insufficient to determine the role of this variant in disease. Therefore, it has been classified as a Variant of Uncertain Significance.

Ambry Genetics
Classification: Uncertain significance for Inborn genetic diseases. Last evaluated: 2022-01-07. Review status: criteria provided, single submitter. Criteria: Ambry Variant Classification Scheme 2023. Collection method: clinical testing. Allele origin: germline.

NM_018297.4(NGLY1):c.542A>T (p.His181Leu)

Gene: NGLY1 (N-glycanase 1; minus strand). Cytogenetic location: 3p24.2.
Variant type: single nucleotide variant.
Coding change: c.542A>T on transcript NM_018297.4 (MANE Select); coding-DNA position 542, A replaced by T.
Protein change: p.His181Leu; replaces histidine 181 with leucine.
Molecular consequence: missense variant.
Genome position (GRCh38, 1-based): chr3:25,751,214, T>A on the plus strand (A>T on the coding strand, the complement: NGLY1 is on the minus strand). VCF-style: chr3-25751214-T-A. GRCh37 (hg19) VCF-style: chr3-25792705-T-A.
Other names: c.542A>T (NM_018297.3); c.542A>T, p.His181Leu (NM_001145293.2, NM_001145295.2); c.416A>T, p.His139Leu (NM_001145294.2); short protein forms H139L, H181L.
Identifiers: ClinVar variation 1403046 (VCV001403046.8), dbSNP rs369784943, ClinGen allele CA2289451.